The following is an entry in ClinVar:

ClinVar aggregate classification (germline): Uncertain significance (1 of 4 stars; one submission).

Submission:

GeneDx
Classification: Uncertain significance. Last evaluated: 2026-04-16. Review status: criteria provided, single submitter. Criteria: GeneDx Variant Classification Process June 2021. Collection method: clinical testing. Allele origin: germline.
Comment: Not observed at significant frequency in large population cohorts (gnomAD); In silico analysis suggests that this missense variant does not alter protein structure/function; Has not been previously published as pathogenic or benign to our knowledge

NM_006876.3(B4GAT1):c.745C>A (p.Gln249Lys)

Gene: B4GAT1 (beta-1,4-glucuronyltransferase 1; minus strand). Cytogenetic location: 11q13.2.
Variant type: single nucleotide variant.
Coding change: c.745C>A on transcript NM_006876.3 (MANE Select); coding-DNA position 745, C replaced by A.
Protein change: p.Gln249Lys; replaces glutamine 249 with lysine.
Molecular consequence: missense variant.
Genome position (GRCh38, 1-based): chr11:66,346,801, G>T on the plus strand (C>A on the coding strand, the complement: B4GAT1 is on the minus strand). VCF-style: chr11-66346801-G-T. GRCh37 (hg19) VCF-style: chr11-66114272-G-T.
Other names: short protein forms Q249K.
Identifiers: ClinVar variation 5036962 (VCV005036962.1).